The following is an entry in ClinVar:

ClinVar aggregate classification (germline): Pathogenic (1 of 4 stars; one submission).

Conditions:
Pigmentary pallidal degeneration (NBIA1). Also called: Pantothenate Kinase-Associated Neurodegeneration; Neurodegeneration with brain iron accumulation 1; HARP SYNDROME; Neuroaxonal dystrophy, late infantile; Hallervorden-Spatz disease; PKAN NEUROAXONAL DYSTROPHY, JUVENILE-ONSET. Identifiers: Orphanet 157850, MedGen C0018523, MONDO:0009319, OMIM 234200.

Submission:

Labcorp Genetics (formerly Invitae), Labcorp
Classification: Pathogenic for Pigmentary pallidal degeneration. Last evaluated: 2019-06-28. Review status: criteria provided, single submitter. Criteria: Invitae Variant Classification Sherloc (09022015). Collection method: clinical testing. Allele origin: germline.
Comment: This sequence change creates a premature translational stop signal (p.Val388Glyfs*8) in the PANK2 gene. It is expected to result in an absent or disrupted protein product. This variant is not present in population databases (ExAC no frequency). This variant has been observed in an individual affected with Hallervorden Spatz syndrome (PMID: 30681573). This variant is also known as c.1160_c.1161insG in the literature. Loss-of-function variants in PANK2 are known to be pathogenic (PMID: 11479594, 12510040). For these reasons, this variant has been classified as Pathogenic.

Literature cited by the submitters: PubMed 30681573.

NM_001386393.1(PANK2):c.832dup (p.Val278fs)

Gene: PANK2 (pantothenate kinase 2; plus strand). Cytogenetic location: 20p13.
Variant type: Duplication.
Coding change: c.832dup on transcript NM_001386393.1 (MANE Select); coding-DNA position 832, one base duplicated (G; older notation c.832dupG).
Protein change: p.Val278fs; shifts the reading frame from valine 278.
Molecular consequence: frameshift variant. On other transcripts: 5 prime UTR variant (1), non-coding transcript variant (1).
Genome position (GRCh38, 1-based): chr20:3,910,757, G duplicated; the last of 2 consecutive G bases (chr20:3,910,756-3,910,757); duplicating either gives the same sequence. VCF-style (leftmost placement, unchanged base first): chr20-3910755-T-TG. GRCh37 (hg19) VCF-style: chr20-3891402-T-TG.
Other names: c.289dup, p.Val97fs (NM_001324191.2, NM_024960.6, NM_153640.4); c.-147dup (NM_001324193.2); c.1162dup, p.Val388fs (NM_153638.4); short protein forms V97fs, V388fs, V278fs.
Identifiers: ClinVar variation 945176 (VCV000945176.1), dbSNP rs2090456897, ClinGen allele CA1139666625.